The following is an entry in ClinVar:

Conditions:
Long QT syndrome 5 (LQT5). Identifiers: Orphanet 101016, Orphanet 768, MedGen C1867904, MONDO:0013372, OMIM 613695.

Submission:

Roden Lab, Vanderbilt University Medical Center
No classification provided (evidence only). Condition: Long QT syndrome 5. Review status: no classification provided. Collection method: in vitro. Allele origin: not applicable. Functional consequence: Effect on ion channel function.
ClinVar note: "not provided" was previously submitted as the classification for the variant. However, the classification appeared to be based only on an observation of functional data so it was converted to no classification on 2025-07-30.

NM_000219.6(KCNE1):c.130G>C (p.Ala44Pro)

Gene: KCNE1 (potassium voltage-gated channel subfamily E regulatory subunit 1; minus strand). Cytogenetic location: 21q22.12.
Variant type: single nucleotide variant.
Coding change: c.130G>C on transcript NM_000219.6 (MANE Select); coding-DNA position 130, G replaced by C.
Protein change: p.Ala44Pro; replaces alanine 44 with proline.
Molecular consequence: missense variant.
Genome position (GRCh38, 1-based): chr21:34,449,505, C>G on the plus strand (G>C on the coding strand, the complement: KCNE1 is on the minus strand). VCF-style: chr21-34449505-C-G. GRCh37 (hg19) VCF-style: chr21-35821803-C-G.
Other names: c.130G>C, p.Ala44Pro (NM_001127668.4, NM_001127669.4, NM_001127670.4 and 4 more transcripts); short protein forms A44P.
Identifiers: ClinVar variation 3374124 (VCV003374124.2).
Genomic context (GRCh38, chr21:34,449,505, plus strand): 5'-TCAGCATGATGCCCAGGGTGAAGAAGCCGAAGAATCCCAGTACCATGAGGACGTAGAGGG[C>G]CTCCAGCTTGCCGTCACTGCTGCGGGGGGACCTGCGGGCCAGGCCCGACATGTTGCCACC-3'
Protein context (NP_000210.2, residues 34-54): SPRSSDGKLE[Ala44Pro]LYVLMVLGFF